The following is an entry in ClinVar:

NM_002880.4(RAF1):c.1085C>G (p.Thr362Ser)

Gene: RAF1 (Raf-1 proto-oncogene, serine/threonine kinase; minus strand). Cytogenetic location: 3p25.2.
Variant type: single nucleotide variant.
Coding change: c.1085C>G on transcript NM_002880.4 (MANE Select); coding-DNA position 1085, C replaced by G.
Protein change: p.Thr362Ser; replaces threonine 362 with serine.
Molecular consequence: missense variant. On other transcripts: non-coding transcript variant (3).
Genome position (GRCh38, 1-based): chr3:12,599,714, G>C on the plus strand (C>G on the coding strand, the complement: RAF1 is on the minus strand). VCF-style: chr3-12599714-G-C. GRCh37 (hg19) VCF-style: chr3-12641213-G-C.
Other names: c.842C>G, p.Thr281Ser (NM_001354692.3, NM_001354691.3); c.986C>G, p.Thr329Ser (NM_001354693.3); c.902C>G, p.Thr301Ser (NM_001354694.3); c.743C>G, p.Thr248Ser (NM_001354695.3); c.1145C>G, p.Thr382Ser (NM_001354689.3); c.1085C>G, p.Thr362Ser (NM_001354690.3); short protein forms T248S, T281S, T301S, T329S, T362S, T382S.
Identifiers: ClinVar variation 1061963 (VCV001061963.10), dbSNP rs2125377494, ClinGen allele CA351507330.
Genomic context (GRCh38, chr3:12,599,714, plus strand): 5'-AGCCCTGCAGTTAGTAAAGGGAGGGCCCCAAGCTTACCGTGCCATTTACCCTTATAAACA[G>C]TTCCAAAAGAGCCTGACCCAATCCGAGTGGACAGCATCACTTCACTGGCTTCTATTTCCC-3'
Protein context (NP_002871.1, residues 352-372): STRIGSGSFG[Thr362Ser]VYKGKWHGDV

ClinVar aggregate classification (germline): Uncertain significance (1 of 4 stars; one submission).

Conditions:
RASopathy. Also called: Noonan spectrum disorder; rasopathies. Identifiers: Orphanet 536391, MedGen C5555857, MONDO:0021060.

Submission:

Labcorp Genetics (formerly Invitae), Labcorp
Classification: Uncertain significance for RASopathy. Last evaluated: 2021-02-27. Review status: criteria provided, single submitter. Criteria: Invitae Variant Classification Sherloc (09022015). Collection method: clinical testing. Allele origin: germline.
Comment: This variant is not present in population databases (ExAC no frequency). This variant has not been reported in the literature in individuals with RAF1-related conditions. Algorithms developed to predict the effect of missense changes on protein structure and function are either unavailable or do not agree on the potential impact of this missense change (SIFT: "Tolerated"; PolyPhen-2: "Possibly Damaging"; Align-GVGD: "Class C0"). In summary, the available evidence is currently insufficient to determine the role of this variant in disease. Therefore, it has been classified as a Variant of Uncertain Significance. This sequence change replaces threonine with serine at codon 362 of the RAF1 protein (p.Thr362Ser). The threonine residue is highly conserved and there is a small physicochemical difference between threonine and serine.